The following is an entry in ClinVar:

NM_014141.6(CNTNAP2):c.2036C>T (p.Ala679Val)

Gene: CNTNAP2 (contactin associated protein 2; plus strand). Cytogenetic location: 7q35.
Variant type: single nucleotide variant.
Coding change: c.2036C>T on transcript NM_014141.6 (MANE Select); coding-DNA position 2036, C replaced by T.
Protein change: p.Ala679Val; replaces alanine 679 with valine.
Molecular consequence: missense variant.
Genome position (GRCh38, 1-based): chr7:147,639,244, C>T. VCF-style: chr7-147639244-C-T. GRCh37 (hg19) VCF-style: chr7-147336336-C-T.
Other names: short protein forms A679V.
Identifiers: ClinVar variation 1318927 (VCV001318927.7), dbSNP rs1346819264, ClinGen allele CA369926346.

ClinVar aggregate classification (germline): Uncertain significance. Review status: criteria provided, multiple submitters, no conflicts (2 of 4 stars). 2 submissions from 2 submitters: Uncertain significance (2). Last evaluated 2024-05-02.

Conditions:
Cortical dysplasia-focal epilepsy syndrome (PTHSL1). Also called: Pitt-Hopkins-like syndrome 1. Identifiers: Orphanet 163681, Orphanet 221150, MedGen C2750246, MONDO:0012400, OMIM 610042.

Allele frequency attached by ClinVar (database versions not stated): gnomAD exomes 0.00001.
gnomAD v4.1: 8 of 1,614,084 alleles (0.0005%); highest among the groups gnomAD compares: Non-Finnish European, 0.00068%; no homozygotes.

Submissions (2):

GeneDx
Classification: Uncertain significance. Last evaluated: 2024-05-02. Review status: criteria provided, single submitter. Criteria: GeneDx Variant Classification Process June 2021. Collection method: clinical testing. Allele origin: germline. Affected: yes.
Comment: Not observed at significant frequency in large population cohorts (gnomAD); In silico analysis supports that this missense variant has a deleterious effect on protein structure/function; Has not been previously published as pathogenic or benign to our knowledge

Labcorp Genetics (formerly Invitae), Labcorp
Classification: Uncertain significance for Cortical dysplasia-focal epilepsy syndrome. Last evaluated: 2022-05-27. Review status: criteria provided, single submitter. Criteria: Invitae Variant Classification Sherloc (09022015). Collection method: clinical testing. Allele origin: germline.
Comment: This sequence change replaces alanine, which is neutral and non-polar, with valine, which is neutral and non-polar, at codon 679 of the CNTNAP2 protein (p.Ala679Val). This variant is present in population databases (no rsID available, gnomAD 0.007%). This variant has not been reported in the literature in individuals affected with CNTNAP2-related conditions. ClinVar contains an entry for this variant (Variation ID: 1318927). Algorithms developed to predict the effect of missense changes on protein structure and function are either unavailable or do not agree on the potential impact of this missense change (SIFT: "Deleterious"; PolyPhen-2: "Possibly Damaging"; Align-GVGD: "Class C0"). In summary, the available evidence is currently insufficient to determine the role of this variant in disease. Therefore, it has been classified as a Variant of Uncertain Significance.